The following is an entry in ClinVar:

ClinVar aggregate classification (germline): Benign/Likely benign. Review status: criteria provided, multiple submitters, no conflicts (2 of 4 stars). 4 submissions from 4 submitters: Benign (1); Likely benign (3). Last evaluated 2025-12-13.

Conditions:
Hereditary nonpolyposis colorectal neoplasms. Identifiers: MedGen C0009405, MeSH D003123.
Lynch syndrome. Identifiers: Orphanet 144, MedGen C4552100, MONDO:0005835. Disease mechanism: loss of function.
Lynch syndrome 5 (LYNCH5). Also called: Colorectal cancer, hereditary nonpolyposis, type 5; Hereditary non-polyposis colorectal cancer, type 5. Identifiers: Orphanet 144, MedGen C1833477, MONDO:0013710, OMIM 614350. Disease mechanism: loss of function.
Hereditary cancer-predisposing syndrome. Also called: Tumor predisposition; Hereditary neoplastic syndrome; Hereditary Cancer Syndrome; Neoplastic Syndromes, Hereditary. Identifiers: Orphanet 140162, MedGen C0027672, MeSH D009386, MONDO:0015356.

gnomAD v4.1: 4 of 1,614,152 alleles (0.00025%); highest among the groups gnomAD compares: Non-Finnish European, 0.00034%; no homozygotes.

Submissions (4):

Labcorp Genetics (formerly Invitae), Labcorp
Classification: Likely benign for Hereditary nonpolyposis colorectal neoplasms. Last evaluated: 2025-12-13. Review status: criteria provided, single submitter. Criteria: Invitae Variant Classification Sherloc (09022015). Collection method: clinical testing. Allele origin: germline.

Myriad Genetics, Inc.
Classification: Benign for Lynch syndrome 5. Last evaluated: 2024-12-27. Review status: criteria provided, single submitter. Criteria: Myriad Autosomal Dominant, Autosomal Recessive and X-Linked Classification Criteria (2023). Collection method: clinical testing. Allele origin: unknown.
Comment: This variant is considered benign. This variant is a silent/synonymous amino acid change and it is not expected to impact splicing.

All of Us Research Program, National Institutes of Health
Classification: Likely benign for Lynch syndrome. Last evaluated: 2024-07-20. Review status: criteria provided, single submitter. Criteria: ACMG Guidelines, 2015. Collection method: clinical testing. Allele origin: germline. Inheritance: Autosomal dominant inheritance. Observed: 1 variant allele, 1 heterozygote.
Comment: This study involves interpretation of variants in research participants for the purpose of population health screening. Participant phenotype was not available at the time of variant classification. Additional details can be found in publication PMID: 35346344, PMCID: PMC8962531

Ambry Genetics
Classification: Likely benign for Hereditary cancer-predisposing syndrome. Last evaluated: 2019-09-01. Review status: criteria provided, single submitter. Criteria: Ambry Variant Classification Scheme 2023. Collection method: clinical testing. Allele origin: germline.

NM_000179.3(MSH6):c.1753C>T (p.Leu585=)

Gene: MSH6 (mutS homolog 6; plus strand). Cytogenetic location: 2p16.3.
Variant type: single nucleotide variant.
Coding change: c.1753C>T on transcript NM_000179.3 (MANE Select); coding-DNA position 1753, C replaced by T.
Protein change: p.Leu585=; no amino-acid change (leucine 585 retained).
Molecular consequence: synonymous variant.
Genome position (GRCh38, 1-based): chr2:47,799,736, C>T. VCF-style: chr2-47799736-C-T. GRCh37 (hg19) VCF-style: chr2-48026875-C-T.
Other names: c.1363C>T, p.Leu455= (NM_001281492.2); c.847C>T, p.Leu283= (NM_001281493.2, NM_001281494.2).
Identifiers: ClinVar variation 792407 (VCV000792407.17), dbSNP rs1558662820, ClinGen allele CA426121067.
Genomic context (GRCh38, chr2:47,799,736, plus strand): 5'-CTGGGAAAGTTTTTCATAGGTCAGTTTTCAGATGATCGCCATTGTTCGAGATTTAGGACT[C>T]TAGTGGCACACTATCCCCCAGTACAAGTTTTATTTGAAAAAGGAAATCTCTCAAAGGAAA-3'
Protein context (NP_000170.1, residues 575-595): DDRHCSRFRT[Leu585=]VAHYPPVQVL